The following continues an entry in ClinVar:

NM_003859.3(DPM1):c.679-7A>T

ClinVar aggregate classification (germline): Benign. Benign (7).

Submissions 30 to 58 of 58:

Dr. Peter K. Rogan Lab, Western University
No classification provided (evidence only). Condition: Sarcoma. Review status: no classification provided. Collection method: in vitro. Allele origin: not applicable. Functional consequence: retained intron. Not counted in ClinVar's aggregate classification.

Dr. Peter K. Rogan Lab, Western University
No classification provided (evidence only). Condition: Sarcoma. Review status: no classification provided. Collection method: in vitro. Allele origin: not applicable. Functional consequence: retained intron. Not counted in ClinVar's aggregate classification.

Dr. Peter K. Rogan Lab, Western University
No classification provided (evidence only). Condition: Sarcoma. Review status: no classification provided. Collection method: in vitro. Allele origin: not applicable. Functional consequence: retained intron. Not counted in ClinVar's aggregate classification.

Dr. Peter K. Rogan Lab, Western University
No classification provided (evidence only). Condition: Malignant lymphoma, large B-cell, diffuse. Review status: no classification provided. Collection method: in vitro. Allele origin: not applicable. Functional consequence: retained intron. Not counted in ClinVar's aggregate classification.

Dr. Peter K. Rogan Lab, Western University
No classification provided (evidence only). Condition: Malignant lymphoma, large B-cell, diffuse. Review status: no classification provided. Collection method: in vitro. Allele origin: not applicable. Functional consequence: retained intron. Not counted in ClinVar's aggregate classification.

Dr. Peter K. Rogan Lab, Western University
No classification provided (evidence only). Condition: Malignant lymphoma, large B-cell, diffuse. Review status: no classification provided. Collection method: in vitro. Allele origin: not applicable. Functional consequence: retained intron. Not counted in ClinVar's aggregate classification.

Dr. Peter K. Rogan Lab, Western University
No classification provided (evidence only). Condition: Cholangiocarcinoma. Review status: no classification provided. Collection method: in vitro. Allele origin: not applicable. Functional consequence: retained intron. Not counted in ClinVar's aggregate classification.

Dr. Peter K. Rogan Lab, Western University
No classification provided (evidence only). Condition: Ovarian serous cystadenocarcinoma. Review status: no classification provided. Collection method: in vitro. Allele origin: not applicable. Functional consequence: retained intron. Not counted in ClinVar's aggregate classification.

Dr. Peter K. Rogan Lab, Western University
No classification provided (evidence only). Condition: Ovarian serous cystadenocarcinoma. Review status: no classification provided. Collection method: in vitro. Allele origin: not applicable. Functional consequence: retained intron. Not counted in ClinVar's aggregate classification.

Dr. Peter K. Rogan Lab, Western University
No classification provided (evidence only). Condition: Ovarian serous cystadenocarcinoma. Review status: no classification provided. Collection method: in vitro. Allele origin: not applicable. Functional consequence: retained intron. Not counted in ClinVar's aggregate classification.

Dr. Peter K. Rogan Lab, Western University
No classification provided (evidence only). Condition: Ovarian serous cystadenocarcinoma. Review status: no classification provided. Collection method: in vitro. Allele origin: not applicable. Functional consequence: retained intron. Not counted in ClinVar's aggregate classification.

Dr. Peter K. Rogan Lab, Western University
No classification provided (evidence only). Condition: Ovarian serous cystadenocarcinoma. Review status: no classification provided. Collection method: in vitro. Allele origin: not applicable. Functional consequence: retained intron. Not counted in ClinVar's aggregate classification.

Dr. Peter K. Rogan Lab, Western University
No classification provided (evidence only). Condition: Ovarian serous cystadenocarcinoma. Review status: no classification provided. Collection method: in vitro. Allele origin: not applicable. Functional consequence: retained intron. Not counted in ClinVar's aggregate classification.

Dr. Peter K. Rogan Lab, Western University
No classification provided (evidence only). Condition: Ovarian serous cystadenocarcinoma. Review status: no classification provided. Collection method: in vitro. Allele origin: not applicable. Functional consequence: retained intron. Not counted in ClinVar's aggregate classification.

Dr. Peter K. Rogan Lab, Western University
No classification provided (evidence only). Condition: Ovarian serous cystadenocarcinoma. Review status: no classification provided. Collection method: in vitro. Allele origin: not applicable. Functional consequence: retained intron. Not counted in ClinVar's aggregate classification.

Dr. Peter K. Rogan Lab, Western University
No classification provided (evidence only). Condition: Gastric cancer. Review status: no classification provided. Collection method: in vitro. Allele origin: not applicable. Functional consequence: retained intron. Not counted in ClinVar's aggregate classification.

Dr. Peter K. Rogan Lab, Western University
No classification provided (evidence only). Condition: Gastric cancer. Review status: no classification provided. Collection method: in vitro. Allele origin: not applicable. Functional consequence: retained intron. Not counted in ClinVar's aggregate classification.

Dr. Peter K. Rogan Lab, Western University
No classification provided (evidence only). Condition: Gastric cancer. Review status: no classification provided. Collection method: in vitro. Allele origin: not applicable. Functional consequence: retained intron. Not counted in ClinVar's aggregate classification.

Dr. Peter K. Rogan Lab, Western University
No classification provided (evidence only). Condition: Malignant tumor of esophagus. Review status: no classification provided. Collection method: in vitro. Allele origin: not applicable. Functional consequence: retained intron. Not counted in ClinVar's aggregate classification.

Dr. Peter K. Rogan Lab, Western University
No classification provided (evidence only). Condition: Malignant tumor of esophagus. Review status: no classification provided. Collection method: in vitro. Allele origin: not applicable. Functional consequence: retained intron. Not counted in ClinVar's aggregate classification.

Dr. Peter K. Rogan Lab, Western University
No classification provided (evidence only). Condition: Malignant tumor of esophagus. Review status: no classification provided. Collection method: in vitro. Allele origin: not applicable. Functional consequence: retained intron. Not counted in ClinVar's aggregate classification.

Dr. Peter K. Rogan Lab, Western University
No classification provided (evidence only). Condition: Malignant tumor of esophagus. Review status: no classification provided. Collection method: in vitro. Allele origin: not applicable. Functional consequence: retained intron. Not counted in ClinVar's aggregate classification.

Dr. Peter K. Rogan Lab, Western University
No classification provided (evidence only). Condition: Malignant tumor of esophagus. Review status: no classification provided. Collection method: in vitro. Allele origin: not applicable. Functional consequence: retained intron. Not counted in ClinVar's aggregate classification.

Dr. Peter K. Rogan Lab, Western University
No classification provided (evidence only). Condition: Malignant tumor of esophagus. Review status: no classification provided. Collection method: in vitro. Allele origin: not applicable. Functional consequence: retained intron. Not counted in ClinVar's aggregate classification.

Dr. Peter K. Rogan Lab, Western University
No classification provided (evidence only). Condition: Malignant tumor of esophagus. Review status: no classification provided. Collection method: in vitro. Allele origin: not applicable. Functional consequence: retained intron. Not counted in ClinVar's aggregate classification.

Dr. Peter K. Rogan Lab, Western University
No classification provided (evidence only). Condition: Malignant tumor of esophagus. Review status: no classification provided. Collection method: in vitro. Allele origin: not applicable. Functional consequence: retained intron. Not counted in ClinVar's aggregate classification.

Dr. Peter K. Rogan Lab, Western University
No classification provided (evidence only). Condition: Malignant tumor of esophagus. Review status: no classification provided. Collection method: in vitro. Allele origin: not applicable. Functional consequence: retained intron. Not counted in ClinVar's aggregate classification.

Dr. Peter K. Rogan Lab, Western University
No classification provided (evidence only). Condition: Malignant tumor of esophagus. Review status: no classification provided. Collection method: in vitro. Allele origin: not applicable. Functional consequence: retained intron. Not counted in ClinVar's aggregate classification.

Laboratory of Diagnostic Genome Analysis, Leiden University Medical Center (LUMC)
Classification: Likely benign. Review status: no assertion criteria provided. Collection method: clinical testing. Allele origin: germline. Affected: yes. Study: VKGL Data-share Consensus. Not counted in ClinVar's aggregate classification.